The following is an entry in ClinVar:

NM_000057.4(BLM):c.637T>C (p.Ser213Pro)

Gene: BLM (BLM RecQ like helicase; plus strand). Cytogenetic location: 15q26.1.
Variant type: single nucleotide variant.
Coding change: c.637T>C on transcript NM_000057.4 (MANE Select); coding-DNA position 637, T replaced by C.
Protein change: p.Ser213Pro; replaces serine 213 with proline.
Molecular consequence: missense variant. On other transcripts: 5 prime UTR variant (1).
Genome position (GRCh38, 1-based): chr15:90,749,905, T>C. VCF-style: chr15-90749905-T-C. GRCh37 (hg19) VCF-style: chr15-91293135-T-C.
Other names: c.637T>C, p.Ser213Pro (NM_001287246.2, NM_001287247.2); c.-655T>C (NM_001287248.2); short protein forms S213P.
Identifiers: ClinVar variation 3014446 (VCV003014446.5), dbSNP rs2505393918, ClinGen allele CA393841221.
Genomic context (GRCh38, chr15:90,749,905, plus strand): 5'-TTTTTTAAAGCACAGCTTTATACAACAAACACAGTAAAGACTGATTTGCCTCCACCCTCC[T>C]CTGAAAGCGAGCAAATAGATTTGACTGAGGAACAGAAGGATGACTCAGAATGGTTAAGCA-3'
Protein context (NP_000048.1, residues 203-223): TVKTDLPPPS[Ser213Pro]ESEQIDLTEE

ClinVar aggregate classification (germline): Conflicting classifications of pathogenicity. Review status: criteria provided, conflicting classifications (1 of 4 stars). 3 submissions from 3 submitters: Uncertain significance (2); Likely benign (1). Last evaluated 2025-12-02.

Conditions:
Hereditary cancer-predisposing syndrome. Also called: Neoplastic Syndromes, Hereditary; Tumor predisposition; Hereditary neoplastic syndrome; Hereditary Cancer Syndrome. Identifiers: Orphanet 140162, MedGen C0027672, MeSH D009386, MONDO:0015356.
Bloom syndrome (BLM). Also called: Bloom-Torre-Machacek syndrome. Identifiers: Orphanet 125, MedGen C0005859, MONDO:0008876, OMIM 210900.

Allele frequency attached by ClinVar (database versions not stated): gnomAD exomes below 0.00001.
gnomAD v4.1: 1 of 1,612,964 alleles (0.000062%); highest among the groups gnomAD compares: African/African-American, 0.0013%; no homozygotes.

Submissions (3):

Labcorp Genetics (formerly Invitae), Labcorp
Classification: Uncertain significance for Bloom syndrome. Last evaluated: 2025-12-02. Review status: criteria provided, single submitter. Criteria: Invitae Variant Classification Sherloc (09022015). Collection method: clinical testing. Allele origin: germline.
Comment: This sequence change replaces serine, which is neutral and polar, with proline, which is neutral and non-polar, at codon 213 of the BLM protein (p.Ser213Pro). This variant is not present in population databases (gnomAD no frequency). This variant has not been reported in the literature in individuals affected with BLM-related conditions. ClinVar contains an entry for this variant (Variation ID: 3014446). An algorithm developed to predict the effect of missense changes on protein structure and function outputs the following: PolyPhen-2: "Benign". The proline amino acid residue is found in multiple mammalian species, which suggests that this missense change does not adversely affect protein function. In summary, the available evidence is currently insufficient to determine the role of this variant in disease. Therefore, it has been classified as a Variant of Uncertain Significance.

Ambry Genetics
Classification: Likely benign for Hereditary cancer-predisposing syndrome. Last evaluated: 2024-05-24. Review status: criteria provided, single submitter. Criteria: Ambry Variant Classification Scheme 2023. Collection method: clinical testing. Allele origin: germline.

GeneDx
Classification: Uncertain significance. Last evaluated: 2024-05-17. Review status: criteria provided, single submitter. Criteria: GeneDx Variant Classification Process June 2021. Collection method: clinical testing. Allele origin: germline. Affected: yes.
Comment: Not observed at significant frequency in large population cohorts (gnomAD); In silico analysis indicates that this missense variant does not alter protein structure/function; Has not been previously published as pathogenic or benign to our knowledge